The following is an entry in ClinVar:

ClinVar aggregate classification (germline): Uncertain significance (1 of 4 stars; one submission).

Submission:

Labcorp Genetics (formerly Invitae), Labcorp
Classification: Uncertain significance. Last evaluated: 2022-08-01. Review status: criteria provided, single submitter. Criteria: Invitae Variant Classification Sherloc (09022015). Collection method: clinical testing. Allele origin: germline.
Comment: This sequence change replaces phenylalanine, which is neutral and non-polar, with tyrosine, which is neutral and polar, at codon 197 of the ARHGEF18 protein (p.Phe197Tyr). This variant is not present in population databases (gnomAD no frequency). This variant has not been reported in the literature in individuals affected with ARHGEF18-related conditions. Algorithms developed to predict the effect of missense changes on protein structure and function (SIFT, PolyPhen-2, Align-GVGD) all suggest that this variant is likely to be tolerated. In summary, the available evidence is currently insufficient to determine the role of this variant in disease. Therefore, it has been classified as a Variant of Uncertain Significance.

NM_001367823.1(ARHGEF18):c.1154T>A (p.Phe385Tyr)

Gene: ARHGEF18 (Rho/Rac guanine nucleotide exchange factor 18; plus strand). Cytogenetic location: 19p13.2.
Variant type: single nucleotide variant.
Coding change: c.1154T>A on transcript NM_001367823.1 (MANE Select); coding-DNA position 1154, T replaced by A.
Protein change: p.Phe385Tyr; replaces phenylalanine 385 with tyrosine.
Molecular consequence: missense variant.
Genome position (GRCh38, 1-based): chr19:7,441,700, T>A. VCF-style: chr19-7441700-T-A. GRCh37 (hg19) VCF-style: chr19-7506586-T-A.
Other names: c.428T>A, p.Phe143Tyr (NM_001130955.2); c.116T>A, p.Phe39Tyr (NM_001367824.1, NM_015318.4); short protein forms F143Y, F385Y, F39Y.
Identifiers: ClinVar variation 1714691 (VCV001714691.5), dbSNP rs2512446237, ClinGen allele CA403098328.